The following is an entry in ClinVar:

ClinVar aggregate classification (germline): Benign/Likely benign. Review status: criteria provided, multiple submitters, no conflicts (2 of 4 stars). 4 submissions from 4 submitters: Benign (1); Likely benign (1). 2 of the submissions do not count toward it. Last evaluated 2026-01-20.

Conditions:
Autosomal recessive polycystic kidney disease (ARPKD). Also called: AR polycystic kidney disease. Identifiers: Orphanet 731, Orphanet 8378, MedGen C0085548, MeSH D017044, MONDO:0009889.
PKHD1-related disorder. Also called: PKHD1-related condition.

Allele frequency attached by ClinVar (database versions not stated): gnomAD below 0.00001 and 0.00010; TOPMed below 0.00001; gnomAD exomes 0.00049; ExAC 0.00055; 1000 Genomes Project 30x 0.00125; 1000 Genomes Project 0.00140.
gnomAD v4.1: 348 of 1,613,870 alleles (0.022%); highest among the groups gnomAD compares: South Asian, 0.35%; 1 homozygote.

Submissions (4):

Labcorp Genetics (formerly Invitae), Labcorp
Classification: Benign for Autosomal recessive polycystic kidney disease. Last evaluated: 2026-01-20. Review status: criteria provided, single submitter. Criteria: Invitae Variant Classification Sherloc (09022015). Collection method: clinical testing. Allele origin: germline.

CeGaT Center for Human Genetics Tuebingen
Classification: Likely benign. Last evaluated: 2026-01-01. Review status: criteria provided, single submitter. Criteria: CeGaT Center For Human Genetics Tuebingen Variant Classification Criteria Version 2. Collection method: clinical testing. Allele origin: germline. Affected: yes. Observed: 1 variant allele.
Comment: PKHD1: BP4, BP7

PreventionGenetics, part of Exact Sciences
Classification: Likely benign for PKHD1-related condition. Last evaluated: 2024-03-19. Review status: no assertion criteria provided. Collection method: clinical testing. Allele origin: germline. Not counted in ClinVar's aggregate classification.
Comment: This variant is classified as likely benign based on ACMG/AMP sequence variant interpretation guidelines (Richards et al. 2015 PMID: 25741868, with internal and published modifications).

Natera, Inc.
Classification: Likely benign for Autosomal recessive polycystic kidney disease. Last evaluated: 2017-05-10. Review status: no assertion criteria provided. Collection method: clinical testing. Allele origin: germline. Not counted in ClinVar's aggregate classification.

NM_138694.4(PKHD1):c.3024C>T (p.Ala1008=)

Gene: PKHD1 (PKHD1 ciliary IPT domain containing fibrocystin/polyductin; minus strand). Cytogenetic location: 6p12.2.
Variant type: single nucleotide variant.
Coding change: c.3024C>T on transcript NM_138694.4 (MANE Select); coding-DNA position 3024, C replaced by T.
Protein change: p.Ala1008=; no amino-acid change (alanine 1008 retained).
Molecular consequence: synonymous variant.
Genome position (GRCh38, 1-based): chr6:52,042,932, G>A on the plus strand (C>T on the coding strand, the complement: PKHD1 is on the minus strand). VCF-style: chr6-52042932-G-A. GRCh37 (hg19) VCF-style: chr6-51907730-G-A.
Other names: c.3024C>T, p.Ala1008= (NM_170724.3).
Identifiers: ClinVar variation 695201 (VCV000695201.21), dbSNP rs559684657, ClinGen allele CA3853061.
Genomic context (GRCh38, chr6:52,042,932, plus strand): 5'-TCTGGAAGGCTCCACCATATCCAGTCTAGGTTTCACATTTAGGAAGAGGTCTTCTCCAGT[G>A]GCACTGATGGCAAGACCAGAGGGTCTCACCAACATCAAGATCCGATGCATTCCAACAGGT-3'
Protein context (NP_619639.3, residues 998-1018): LVRPSGLAIS[Ala1008=]TGEDLFLNVK